The following is an entry in ClinVar:

NM_001308093.3(GATA4):c.310G>C (p.Val104Leu)

Gene: GATA4 (GATA binding protein 4). Cytogenetic location: 8p23.1.
Variant type: single nucleotide variant.
Coding change: c.310G>C on transcript NM_001308093.3 (MANE Select); coding-DNA position 310, G replaced by C.
Protein change: p.Val104Leu; replaces valine 104 with leucine.
Molecular consequence: missense variant. On other transcripts: intron variant (3).
Genome position (GRCh38, 1-based): chr8:11,708,622, G>C. VCF-style: chr8-11708622-G-C. GRCh37 (hg19) VCF-style: chr8-11566131-G-C.
Other names: c.310G>C, p.Val104Leu (NM_002052.5); c.-6+7844G>C (NM_001308094.2); c.-3+608G>C (NM_001374274.1); c.-3+4318G>C (NM_001374273.1); c.310G>C (NM_002052.4); short protein forms V104L.
Identifiers: ClinVar variation 2196919 (VCV002196919.5), dbSNP rs1303939384, ClinGen allele CA370309361.

ClinVar aggregate classification (germline): Uncertain significance. Review status: criteria provided, multiple submitters, no conflicts (2 of 4 stars). 2 submissions from 2 submitters: Uncertain significance (2). Last evaluated 2025-12-23.

Conditions:
Atrioventricular septal defect 4 (AVSD4). Identifiers: MedGen C3280781, MONDO:0013747, OMIM 614430.
GATA4-related disorder. Also called: GATA4-related condition. Identifiers: MedGen CN860321.

Allele frequency attached by ClinVar (database versions not stated): TOPMed 0.00001.

Submissions (2):

PreventionGenetics, part of Exact Sciences
Classification: Uncertain significance for GATA4-related condition. Last evaluated: 2025-12-23. Review status: criteria provided, single submitter. Criteria: ACMG Guidelines, 2015. Collection method: clinical testing. Allele origin: germline.
Comment: The GATA4 c.310G>C variant is predicted to result in the amino acid substitution p.Val104Leu. To our knowledge, this variant has not been reported in the literature or in a large population database (gnomAD), indicating this variant is rare. At this time, the clinical significance of this variant is uncertain due to the absence of conclusive functional and genetic evidence.

Labcorp Genetics (formerly Invitae), Labcorp
Classification: Uncertain significance for Atrioventricular septal defect 4. Last evaluated: 2024-07-30. Review status: criteria provided, single submitter. Criteria: Invitae Variant Classification Sherloc (09022015). Collection method: clinical testing. Allele origin: germline.
Comment: This sequence change replaces valine, which is neutral and non-polar, with leucine, which is neutral and non-polar, at codon 104 of the GATA4 protein (p.Val104Leu). This variant is not present in population databases (gnomAD no frequency). This variant has not been reported in the literature in individuals affected with GATA4-related conditions. ClinVar contains an entry for this variant (Variation ID: 2196919). Advanced modeling of protein sequence and biophysical properties (such as structural, functional, and spatial information, amino acid conservation, physicochemical variation, residue mobility, and thermodynamic stability) performed at Invitae indicates that this missense variant is not expected to disrupt GATA4 protein function with a negative predictive value of 80%. In summary, the available evidence is currently insufficient to determine the role of this variant in disease. Therefore, it has been classified as a Variant of Uncertain Significance.